The following is an entry in ClinVar:

ClinVar aggregate classification (germline): Conflicting classifications of pathogenicity. Review status: criteria provided, conflicting classifications (1 of 4 stars). 4 submissions from 4 submitters: Uncertain significance (1); Likely benign (3). Last evaluated 2025-11-12.

Conditions:
Neurodegeneration with brain iron accumulation 4 (NBIA4). Also called: MITOCHONDRIAL PROTEIN-ASSOCIATED NEURODEGENERATION. Identifiers: Orphanet 289560, MedGen C3280371, MONDO:0013674, OMIM 614298. Disease mechanism: loss of function.
Hereditary spastic paraplegia 43. Also called: Spastic paraplegia 43, autosomal recessive. Identifiers: Orphanet 320370, MedGen C2680446, MONDO:0014024, OMIM 615043.

Allele frequency attached by ClinVar (database versions not stated): gnomAD exomes 0.00003; gnomAD 0.00004 and 0.00005; ExAC 0.00005; TOPMed 0.00005.
gnomAD v4.1: 79 of 1,607,402 alleles (0.0049%); highest among the groups gnomAD compares: South Asian, 0.011%; no homozygotes.

Submissions (4):

Labcorp Genetics (formerly Invitae), Labcorp
Classification: Likely benign for Hereditary spastic paraplegia 43. Last evaluated: 2025-11-12. Review status: criteria provided, single submitter. Criteria: Invitae Variant Classification Sherloc (09022015). Collection method: clinical testing. Allele origin: germline.

CeGaT Center for Human Genetics Tuebingen
Classification: Likely benign. Last evaluated: 2022-05-01. Review status: criteria provided, single submitter. Criteria: CeGaT Center For Human Genetics Tuebingen Variant Classification Criteria Version 2. Collection method: clinical testing. Allele origin: germline. Affected: yes. Observed: 1 variant allele.
Comment: C19orf12: BP4, BP7

Illumina Laboratory Services, Illumina
Classification: Uncertain significance for Neurodegeneration with brain iron accumulation 4. Last evaluated: 2018-01-13. Review status: criteria provided, single submitter. Criteria: ICSL Variant Classification Criteria 13 December 2019. Collection method: clinical testing. Allele origin: germline.

GeneDx
Classification: Likely benign. Last evaluated: 2017-11-20. Review status: criteria provided, single submitter. Criteria: GeneDx Variant Classification (06012015). Collection method: clinical testing. Allele origin: germline. Affected: yes.
Comment: This variant is considered likely benign or benign based on one or more of the following criteria: it is a conservative change, it occurs at a poorly conserved position in the protein, it is predicted to be benign by multiple in silico algorithms, and/or has population frequency not consistent with disease.

NM_031448.6(C19orf12):c.177G>A (p.Gly59=)

Gene: C19orf12 (chromosome 19 open reading frame 12; minus strand). Cytogenetic location: 19q12.
Variant type: single nucleotide variant.
Coding change: c.177G>A on transcript NM_031448.6 (MANE Select); coding-DNA position 177, G replaced by A.
Protein change: p.Gly59=; no amino-acid change (glycine 59 retained).
Molecular consequence: synonymous variant. On other transcripts: 5 prime UTR variant (3).
Genome position (GRCh38, 1-based): chr19:29,702,961, C>T on the plus strand (G>A on the coding strand, the complement: C19orf12 is on the minus strand). VCF-style: chr19-29702961-C-T. GRCh37 (hg19) VCF-style: chr19-30193868-C-T.
Other names: c.177G>A, p.Gly59= (NM_001031726.4, NM_001256046.3, NM_001256047.2); c.-16G>A (NM_001282929.1, NM_001282930.3, NM_001282931.3).
Identifiers: ClinVar variation 506451 (VCV000506451.37), dbSNP rs768063881, ClinGen allele CA9351922.